The following is an entry in ClinVar:

NM_001042492.3(NF1):c.2173del (p.Glu725fs)

Gene: NF1 (neurofibromin 1; plus strand). Cytogenetic location: 17q11.2.
Variant type: Deletion.
Coding change: c.2173del on transcript NM_001042492.3 (MANE Select); coding-DNA position 2173, one base deleted (G; older notation c.2173delG).
Protein change: p.Glu725fs; shifts the reading frame from glutamic acid 725.
Molecular consequence: frameshift variant.
Genome position (GRCh38, 1-based): chr17:31,226,606, G deleted. VCF-style (leftmost placement, unchanged base first): chr17-31226605-TG-T. GRCh37 (hg19) VCF-style: chr17-29553623-TG-T.
Other names: c.2173del, p.Glu725fs (NM_000267.4); short protein forms E725fs.
Identifiers: ClinVar variation 4119187 (VCV004119187.1).

ClinVar aggregate classification (germline): Pathogenic (1 of 4 stars; one submission).

Conditions:
Cardiovascular phenotype. Identifiers: MedGen CN230736.
Hereditary cancer-predisposing syndrome. Also called: Hereditary neoplastic syndrome; Neoplastic Syndromes, Hereditary; Tumor predisposition; Hereditary Cancer Syndrome. Identifiers: Orphanet 140162, MedGen C0027672, MeSH D009386, MONDO:0015356.

Submission:

Ambry Genetics
Classification: Pathogenic for Cardiovascular phenotype; Hereditary cancer-predisposing syndrome. Last evaluated: 2025-09-09. Review status: criteria provided, single submitter. Criteria: Ambry Variant Classification Scheme 2023. Collection method: clinical testing. Allele origin: germline.
Comment: The c.2173delG pathogenic mutation, located in coding exon 18 of the NF1 gene, results from a deletion of one nucleotide at nucleotide position 2173, causing a translational frameshift with a predicted alternate stop codon (p.E725Kfs*23). This variant is considered to be rare based on population cohorts in the Genome Aggregation Database (gnomAD). This alteration is expected to result in loss of function by premature protein truncation or nonsense-mediated mRNA decay. As such, this alteration is interpreted as a disease-causing mutation.